The following is an entry in ClinVar:

NM_001089.3(ABCA3):c.4745C>G (p.Thr1582Ser)

Gene: ABCA3 (ATP binding cassette subfamily A member 3; minus strand). Cytogenetic location: 16p13.3.
Variant type: single nucleotide variant.
Coding change: c.4745C>G on transcript NM_001089.3 (MANE Select); coding-DNA position 4745, C replaced by G.
Protein change: p.Thr1582Ser; replaces threonine 1582 with serine.
Molecular consequence: missense variant.
Genome position (GRCh38, 1-based): chr16:2,278,043, G>C on the plus strand (C>G on the coding strand, the complement: ABCA3 is on the minus strand). VCF-style: chr16-2278043-G-C. GRCh37 (hg19) VCF-style: chr16-2328044-G-C.
Other names: short protein forms T1582S.
Identifiers: ClinVar variation 3341823 (VCV003341823.17).

ClinVar aggregate classification (germline): Uncertain significance. Review status: criteria provided, multiple submitters, no conflicts (2 of 4 stars). 2 submissions from 2 submitters: Uncertain significance (2). Last evaluated 2024-08-01.

gnomAD v4.1: 39 of 1,613,450 alleles (0.0024%); highest among the groups gnomAD compares: South Asian, 0.012%; no homozygotes.

Submissions (2):

CeGaT Center for Human Genetics Tuebingen
Classification: Uncertain significance. Last evaluated: 2024-08-01. Review status: criteria provided, single submitter. Criteria: CeGaT Center For Human Genetics Tuebingen Variant Classification Criteria Version 2. Collection method: clinical testing. Allele origin: germline. Affected: yes. Observed: 1 variant allele.
Comment: ABCA3: PM2

Blueprint Genetics
Classification: Uncertain significance. Last evaluated: 2024-04-09. Review status: criteria provided, single submitter. Criteria: ACMG Guidelines, 2015. Collection method: clinical testing. Allele origin: germline.